The following is an entry in ClinVar:

ClinVar aggregate classification (germline): Pathogenic (1 of 4 stars; one submission).

Conditions:
Neurofibromatosis, type 2 (SWNV). Also called: BILATERAL ACOUSTIC NEUROFIBROMATOSIS; SCHWANNOMATOSIS, VESTIBULAR; NF2-Related Schwannomatosis. Identifiers: Orphanet 637, MedGen C0027832, MONDO:0007039, OMIM 101000. Disease mechanism: loss of function.

Submission:

Labcorp Genetics (formerly Invitae), Labcorp
Classification: Pathogenic for Neurofibromatosis, type 2. Last evaluated: 2022-02-20. Review status: criteria provided, single submitter. Criteria: Invitae Variant Classification Sherloc (09022015). Collection method: clinical testing. Allele origin: germline.
Comment: This variant has not been reported in the literature in individuals affected with NF2-related conditions. For these reasons, this variant has been classified as Pathogenic. This variant is not present in population databases (gnomAD no frequency). This sequence change creates a premature translational stop signal (p.Met77Trpfs*46) in the NF2 gene. It is expected to result in an absent or disrupted protein product. Loss-of-function variants in NF2 are known to be pathogenic (PMID: 9643284, 16983642).

Literature cited by the submitters: PubMed 9643284; PubMed 16983642.

NM_000268.4(NF2):c.229del (p.Met77fs)

Gene: NF2 (NF2, moesin-ezrin-radixin like (MERLIN) tumor suppressor; plus strand). Cytogenetic location: 22q12.2.
Variant type: Deletion.
Coding change: c.229del on transcript NM_000268.4 (MANE Select); coding-DNA position 229, one base deleted (A; older notation c.229delA).
Protein change: p.Met77fs; shifts the reading frame from methionine 77.
Molecular consequence: frameshift variant. On other transcripts: non-coding transcript variant (1), intron variant (3).
Genome position (GRCh38, 1-based): chr22:29,636,865, A deleted; the last of 4 consecutive A bases (chr22:29,636,862-29,636,865); deleting any one gives the same sequence. VCF-style (leftmost placement, unchanged base first): chr22-29636861-CA-C. GRCh37 (hg19) VCF-style: chr22-30032850-CA-C.
Other names: c.229del, p.Met77fs (NM_016418.5, NM_181825.3, NM_181829.3 and 2 more transcripts); c.115-2225del (NM_181828.3); c.115-5337del (NM_181830.3, NM_181831.3); short protein forms M77fs.
Identifiers: ClinVar variation 1451707 (VCV001451707.6), dbSNP rs2146854677, ClinGen allele CA2573157858.